The following is an entry in ClinVar:

ClinVar aggregate classification (germline): Pathogenic (1 of 4 stars; one submission).

Conditions:
Carney complex, type 1 (CNC1). Also called: CARNEY MYXOMA-ENDOCRINE COMPLEX; CARNEY COMPLEX, TYPE I. Identifiers: Orphanet 1359, MedGen C2607929, MONDO:0008057, OMIM 160980.

Submission:

Labcorp Genetics (formerly Invitae), Labcorp
Classification: Pathogenic for Carney complex, type 1. Last evaluated: 2022-10-13. Review status: criteria provided, single submitter. Criteria: Invitae Variant Classification Sherloc (09022015). Collection method: clinical testing. Allele origin: germline.
Comment: A gross deletion of the genomic region encompassing the full coding sequence of the PRKAR1A gene has been identified. Loss-of-function variants in PRKAR1A are known to be pathogenic (PMID: 11115848, 19293268). The boundaries of this event are unknown as they extend beyond the assayed region for this gene and therefore may encompass additional genes. A similar copy number variant has been observed in individuals with Carney complex (PMID: 24170103; Invitae). For these reasons, this variant has been classified as Pathogenic.

Literature cited by the submitters: PubMed 11115848; PubMed 19293268; PubMed 24170103.

NC_000017.10:g.(?_66508520)_(66548013_?)del

Genes: FAM20A (FAM20A golgi associated secretory pathway pseudokinase; minus strand), PRKAR1A (protein kinase cAMP-dependent type I regulatory subunit alpha; plus strand). Cytogenetic location: 17q24.2.
Variant type: Deletion.
Identifiers: ClinVar variation 2424527 (VCV002424527.3).